The following is an entry in ClinVar:

NM_006734.4(HIVEP2):c.330G>A (p.Met110Ile)

Gene: HIVEP2 (HIVEP zinc finger 2; minus strand). Cytogenetic location: 6q24.2.
Variant type: single nucleotide variant.
Coding change: c.330G>A on transcript NM_006734.4 (MANE Select); coding-DNA position 330, G replaced by A.
Protein change: p.Met110Ile; replaces methionine 110 with isoleucine.
Molecular consequence: missense variant.
Genome position (GRCh38, 1-based): chr6:142,774,409, C>T on the plus strand (G>A on the coding strand, the complement: HIVEP2 is on the minus strand). VCF-style: chr6-142774409-C-T. GRCh37 (hg19) VCF-style: chr6-143095546-C-T.
Other names: short protein forms M110I.
Identifiers: ClinVar variation 2432451 (VCV002432451.6), dbSNP rs751167404, ClinGen allele CA4028755.

ClinVar aggregate classification (germline): Uncertain significance. Review status: criteria provided, multiple submitters, no conflicts (2 of 4 stars). 2 submissions from 2 submitters: Uncertain significance (2). Last evaluated 2023-09-20.

Conditions:
Intellectual developmental disorder, autosomal dominant 43. Also called: Intellectual disability, autosomal dominant 43. Identifiers: MedGen C4707429, MONDO:0014858, OMIM 616977.

Allele frequency attached by ClinVar (database versions not stated): TOPMed below 0.00001; ExAC 0.00001; gnomAD exomes 0.00001.

Submissions (2):

Labcorp Genetics (formerly Invitae), Labcorp
Classification: Uncertain significance. Last evaluated: 2023-09-20. Review status: criteria provided, single submitter. Criteria: Invitae Variant Classification Sherloc (09022015). Collection method: clinical testing. Allele origin: germline.
Comment: In summary, the available evidence is currently insufficient to determine the role of this variant in disease. Therefore, it has been classified as a Variant of Uncertain Significance. Advanced modeling of protein sequence and biophysical properties (such as structural, functional, and spatial information, amino acid conservation, physicochemical variation, residue mobility, and thermodynamic stability) performed at Invitae indicates that this missense variant is not expected to disrupt HIVEP2 protein function. ClinVar contains an entry for this variant (Variation ID: 2432451). This variant has not been reported in the literature in individuals affected with HIVEP2-related conditions. This variant is present in population databases (rs751167404, gnomAD 0.004%). This sequence change replaces methionine, which is neutral and non-polar, with isoleucine, which is neutral and non-polar, at codon 110 of the HIVEP2 protein (p.Met110Ile).

Revvity Omics, Revvity
Classification: Uncertain significance for Intellectual developmental disorder, autosomal dominant 43. Last evaluated: 2022-01-07. Review status: criteria provided, single submitter. Criteria: ACMG Guidelines, 2015. Collection method: clinical testing. Allele origin: germline.